The following is an entry in ClinVar:

ClinVar aggregate classification (germline): Uncertain significance (1 of 4 stars; one submission).

Conditions:
COG1 congenital disorder of glycosylation (CDG2G). Also called: CDG IIg; CDGII/COG1 CEREBROCOSTOMANDIBULAR-LIKE SYNDROME; CONGENITAL DISORDER OF GLYCOSYLATION, TYPE IIg. Identifiers: Orphanet 263508, MedGen C2931011, MONDO:0012637, OMIM 611209.

Submission:

Labcorp Genetics (formerly Invitae), Labcorp
Classification: Uncertain significance for COG1 congenital disorder of glycosylation. Last evaluated: 2023-07-07. Review status: criteria provided, single submitter. Criteria: Invitae Variant Classification Sherloc (09022015). Collection method: clinical testing. Allele origin: germline.
Comment: This sequence change replaces serine, which is neutral and polar, with threonine, which is neutral and polar, at codon 687 of the COG1 protein (p.Ser687Thr). This variant is not present in population databases (gnomAD no frequency). This variant has not been reported in the literature in individuals affected with COG1-related conditions. ClinVar contains an entry for this variant (Variation ID: 1520167). Advanced modeling of protein sequence and biophysical properties (such as structural, functional, and spatial information, amino acid conservation, physicochemical variation, residue mobility, and thermodynamic stability) performed at Invitae indicates that this missense variant is not expected to disrupt COG1 protein function. In summary, the available evidence is currently insufficient to determine the role of this variant in disease. Therefore, it has been classified as a Variant of Uncertain Significance.

NM_018714.3(COG1):c.2060G>C (p.Ser687Thr)

Gene: COG1 (component of oligomeric golgi complex 1; plus strand). Cytogenetic location: 17q25.1.
Variant type: single nucleotide variant.
Coding change: c.2060G>C on transcript NM_018714.3 (MANE Select); coding-DNA position 2060, G replaced by C.
Protein change: p.Ser687Thr; replaces serine 687 with threonine.
Molecular consequence: missense variant.
Genome position (GRCh38, 1-based): chr17:73,201,887, G>C. VCF-style: chr17-73201887-G-C. GRCh37 (hg19) VCF-style: chr17-71198026-G-C.
Other names: short protein forms S687T.
Identifiers: ClinVar variation 1520167 (VCV001520167.6), dbSNP rs1232713937, ClinGen allele CA400894170.
Genomic context (GRCh38, chr17:73,201,887, plus strand): 5'-GGCAAGAGGTTAAAGAAGTACTCCTCCAGCAGAGCGTGATGGGCTACCAGGTCTGGAGCA[G>C]TGCAGTTGTGAAAGTGAGTGATGTAATTTCTTATCCCTGTCTTGTCTCACTTCTGTCATA-3'
Protein context (NP_061184.1, residues 677-697): QSVMGYQVWS[Ser687Thr]AVVKVLIHGF